The following is an entry in ClinVar:

ClinVar aggregate classification (germline): Uncertain significance. Review status: criteria provided, multiple submitters, no conflicts (2 of 4 stars). 2 submissions from 2 submitters: Uncertain significance (2). Last evaluated 2025-08-18.

Conditions:
Inborn genetic diseases. Identifiers: MedGen C0950123, MeSH D030342.

Allele frequency attached by ClinVar (database versions not stated): ExAC 0.00004; gnomAD exomes 0.00004; TOPMed 0.00005; gnomAD 0.00007; ESP Exome Variant Server 0.00015.
gnomAD v4.1: 60 of 1,613,896 alleles (0.0037%); highest among the groups gnomAD compares: East Asian, 0.0045%; no homozygotes.

Submissions (2):

Labcorp Genetics (formerly Invitae), Labcorp
Classification: Uncertain significance. Last evaluated: 2025-08-18. Review status: criteria provided, single submitter. Criteria: Invitae Variant Classification Sherloc (09022015). Collection method: clinical testing. Allele origin: germline.
Comment: This sequence change replaces threonine, which is neutral and polar, with methionine, which is neutral and non-polar, at codon 367 of the TBCE protein (p.Thr367Met). This variant is present in population databases (rs375029397, gnomAD 0.01%). This variant has not been reported in the literature in individuals affected with TBCE-related conditions. ClinVar contains an entry for this variant (Variation ID: 2160060). Invitae Evidence Modeling of protein sequence and biophysical properties (such as structural, functional, and spatial information, amino acid conservation, physicochemical variation, residue mobility, and thermodynamic stability) indicates that this missense variant is not expected to disrupt TBCE protein function with a negative predictive value of 80%. In summary, the available evidence is currently insufficient to determine the role of this variant in disease. Therefore, it has been classified as a Variant of Uncertain Significance.

Ambry Genetics
Classification: Uncertain significance for Inborn genetic diseases. Last evaluated: 2023-12-16. Review status: criteria provided, single submitter. Criteria: Ambry Variant Classification Scheme 2023. Collection method: clinical testing. Allele origin: germline.

NM_003193.5(TBCE):c.1100C>T (p.Thr367Met)

Gene: TBCE (tubulin folding cofactor E; plus strand). Cytogenetic location: 1q42.3.
Variant type: single nucleotide variant.
Coding change: c.1100C>T on transcript NM_003193.5 (MANE Select); coding-DNA position 1100, C replaced by T.
Protein change: p.Thr367Met; replaces threonine 367 with methionine.
Molecular consequence: missense variant.
Genome position (GRCh38, 1-based): chr1:235,437,458, C>T. VCF-style: chr1-235437458-C-T. GRCh37 (hg19) VCF-style: chr1-235600773-C-T.
Other names: c.1100C>T (NM_003193.3); c.1100C>T, p.Thr367Met (NM_001079515.3); c.1253C>T, p.Thr418Met (NM_001287801.2); c.761C>T, p.Thr254Met (NM_001287802.2); short protein forms T418M, T254M, T367M.
Identifiers: ClinVar variation 2160060 (VCV002160060.3), dbSNP rs375029397, ClinGen allele CA1464331.